The following is an entry in ClinVar:

ClinVar aggregate classification (germline): Uncertain significance. Review status: criteria provided, multiple submitters, no conflicts (2 of 4 stars). 2 submissions from 2 submitters: Uncertain significance (2). Last evaluated 2025-08-27.

Conditions:
Familial acute necrotizing encephalopathy (IIAE3). Also called: ENCEPHALOPATHY, ACUTE, INFECTION-INDUCED, SUSCEPTIBILITY TO, 3; Susceptibility to Acute Necrotizing Encephalopathy 1. Identifiers: Orphanet 88619, MedGen C2675556, MONDO:0011953, OMIM 608033.

Allele frequency attached by ClinVar (database versions not stated): TOPMed below 0.00001; gnomAD exomes 0.00001 and 0.00004.
gnomAD v4.1: 52 of 1,613,974 alleles (0.0032%); highest among the groups gnomAD compares: Non-Finnish European, 0.0044%; no homozygotes.

Submissions (2):

Ambry Genetics
Classification: Uncertain significance. Last evaluated: 2025-08-27. Review status: criteria provided, single submitter. Criteria: Ambry Variant Classification Scheme 2023. Collection method: clinical testing. Allele origin: germline.

Labcorp Genetics (formerly Invitae), Labcorp
Classification: Uncertain significance for Familial acute necrotizing encephalopathy. Last evaluated: 2022-08-15. Review status: criteria provided, single submitter. Criteria: Invitae Variant Classification Sherloc (09022015). Collection method: clinical testing. Allele origin: germline.
Comment: This sequence change replaces cysteine, which is neutral and slightly polar, with glycine, which is neutral and non-polar, at codon 1372 of the RANBP2 protein (p.Cys1372Gly). This variant is present in population databases (rs748526932, gnomAD 0.002%). This variant has not been reported in the literature in individuals affected with RANBP2-related conditions. ClinVar contains an entry for this variant (Variation ID: 1010727). Algorithms developed to predict the effect of missense changes on protein structure and function (SIFT, PolyPhen-2, Align-GVGD) all suggest that this variant is likely to be disruptive. In summary, the available evidence is currently insufficient to determine the role of this variant in disease. Therefore, it has been classified as a Variant of Uncertain Significance.

NM_006267.5(RANBP2):c.4114T>G (p.Cys1372Gly)

Gene: RANBP2 (RAN binding protein 2; plus strand). Cytogenetic location: 2q13.
Variant type: single nucleotide variant.
Coding change: c.4114T>G on transcript NM_006267.5 (MANE Select); coding-DNA position 4114, T replaced by G.
Protein change: p.Cys1372Gly; replaces cysteine 1372 with glycine.
Molecular consequence: missense variant.
Genome position (GRCh38, 1-based): chr2:108,764,653, T>G. VCF-style: chr2-108764653-T-G. GRCh37 (hg19) VCF-style: chr2-109381109-T-G.
Other names: c.4114T>G (NM_006267.4); short protein forms C1372G.
Identifiers: ClinVar variation 1010727 (VCV001010727.10), dbSNP rs748526932, ClinGen allele CA53453694.